The following is an entry in ClinVar:

ClinVar aggregate classification (germline): Uncertain significance (1 of 4 stars; one submission).

Conditions:
Erythrocytosis, familial, 3 (ECYT3). Identifiers: Orphanet 247511, MedGen C1853286, MONDO:0012353, OMIM 609820.

Submission:

Labcorp Genetics (formerly Invitae), Labcorp
Classification: Uncertain significance for Erythrocytosis, familial, 3. Last evaluated: 2024-02-09. Review status: criteria provided, single submitter. Criteria: Invitae Variant Classification Sherloc (09022015). Collection method: clinical testing. Allele origin: germline.
Comment: This sequence change replaces threonine, which is neutral and polar, with alanine, which is neutral and non-polar, at codon 268 of the EGLN1 protein (p.Thr268Ala). This variant is not present in population databases (gnomAD no frequency). This variant has not been reported in the literature in individuals affected with EGLN1-related conditions. Algorithms developed to predict the effect of missense changes on protein structure and function output the following: SIFT: "Not Available"; PolyPhen-2: "Benign"; Align-GVGD: "Not Available". The alanine amino acid residue is found in multiple mammalian species, which suggests that this missense change does not adversely affect protein function. In summary, the available evidence is currently insufficient to determine the role of this variant in disease. Therefore, it has been classified as a Variant of Uncertain Significance.

NM_022051.3(EGLN1):c.802A>G (p.Thr268Ala)

Genes: EGLN1 (egl-9 family hypoxia inducible factor 1; minus strand), LOC129932769 (ATAC-STARR-seq lymphoblastoid active region 2730; plus strand). Cytogenetic location: 1q42.2.
Variant type: single nucleotide variant.
Coding change: c.802A>G on transcript NM_022051.3 (MANE Select); coding-DNA position 802, A replaced by G.
Protein change: p.Thr268Ala; replaces threonine 268 with alanine.
Molecular consequence: missense variant.
Genome position (GRCh38, 1-based): chr1:231,421,087, T>C on the plus strand (A>G on the coding strand, the complement: EGLN1 is on the minus strand). VCF-style: chr1-231421087-T-C. GRCh37 (hg19) VCF-style: chr1-231556833-T-C.
Other names: c.802A>G, p.Thr268Ala (NM_001377260.1, NM_001377261.1); short protein forms T268A.
Identifiers: ClinVar variation 3639802 (VCV003639802.2).